The following is an entry in ClinVar:

ClinVar aggregate classification (germline): Pathogenic (0 of 4 stars; one submission).

Conditions:
Infantile-onset ascending hereditary spastic paralysis (IAHSP). Also called: Autosomal Recessive Juvenile Amyotrophic Lateral Sclerosis; Infantile-Onset Ascending Hereditary Spastic Paralysis (IAHSP). Identifiers: Orphanet 293168, MedGen C2931441, MONDO:0011797, OMIM 607225. Disease mechanism: loss of function.

Submission:

GeneReviews
Classification: Pathogenic for ALS2-Related Disorders. Last evaluated: 2011-02-10. Review status: no assertion criteria provided. Collection method: curation. Allele origin: unknown.
ClinVar note: Converted during submission from pathologic to Pathogenic.

NM_020919.4(ALS2):c.1999-2A>T

Gene: ALS2 (alsin Rho guanine nucleotide exchange factor ALS2; minus strand). Cytogenetic location: 2q33.1.
Variant type: single nucleotide variant.
Coding change: c.1999-2A>T on transcript NM_020919.4 (MANE Select); the canonical splice acceptor site of the intron before coding-DNA position 1999, A replaced by T.
Molecular consequence: splice acceptor variant.
Genome position (GRCh38, 1-based): chr2:201,744,431, T>A on the plus strand (A>T on the coding strand, the complement: ALS2 is on the minus strand). VCF-style: chr2-201744431-T-A. GRCh37 (hg19) VCF-style: chr2-202609154-T-A.
Other names: IVS9-2A>T; c.1999-2A>T (NM_001410975.1).
Identifiers: ClinVar variation 42060 (VCV000042060.3), dbSNP rs386134182, ClinGen allele CA344493.
Genomic context (GRCh38, chr2:201,744,431, plus strand): 5'-TTATCCACCAAGGCTAAATAGCTATCTTTTCCTGCTGTCACTCTGCTTATATATCCAAGC[T>A]GAAACAGAAGAAAACAAAAGGATTAAATATAACATATAATTATGTTACTAATTTGGTATA-3'